The following is an entry in ClinVar:

NM_000136.3(FANCC):c.632C>G (p.Pro211Arg)

Genes: AOPEP (aminopeptidase O (putative); plus strand), FANCC (FA complementation group C; minus strand). Cytogenetic location: 9q22.32.
Variant type: single nucleotide variant.
Coding change: c.632C>G on transcript NM_000136.3 (MANE Select); coding-DNA position 632, C replaced by G.
Protein change: p.Pro211Arg; replaces proline 211 with arginine.
Molecular consequence: missense variant.
Genome position (GRCh38, 1-based): chr9:95,149,977, G>C on the plus strand (C>G on the coding strand, the complement: FANCC is on the minus strand). VCF-style: chr9-95149977-G-C. GRCh37 (hg19) VCF-style: chr9-97912259-G-C.
Other names: p.P211R:CCT>CGT; c.632C>G, p.Pro211Arg (NM_001243743.2, NM_001243744.2); short protein forms P211R.
Identifiers: ClinVar variation 127544 (VCV000127544.53), dbSNP rs140781259, ClinGen allele CA159411.
Genomic context (GRCh38, chr9:95,149,977, plus strand): 5'-ACTTACAGCAAAATGGCCTCGTTTACAGCCTCAAAGAACTCTGGCTGGAGGATTTCCTGA[G>C]GTTCACGTCCATGACAGATGAGGAGAGCCTCCACCAGGGGGTCAACATCTGTCAGGGTAA-3'
Protein context (NP_000127.2, residues 201-221): EALLICHGRE[Pro211Arg]QEILQPEFFE

ClinVar aggregate classification (germline): Conflicting classifications of pathogenicity. Review status: criteria provided, conflicting classifications (1 of 4 stars). 17 submissions from 17 submitters: Uncertain significance (2); Benign (3); Likely benign (7). 5 of the submissions do not count toward it. Last evaluated 2026-01-26.

Conditions:
FANCC-related disorder. Also called: FANCC-related condition.
Hereditary cancer-predisposing syndrome. Also called: Tumor predisposition; Hereditary neoplastic syndrome; Neoplastic Syndromes, Hereditary; Hereditary Cancer Syndrome. Identifiers: Orphanet 140162, MedGen C0027672, MeSH D009386, MONDO:0015356.
Fanconi anemia (FA). Also called: Fanconi's anemia. Identifiers: Orphanet 84, MedGen C0015625, MeSH D005199, MONDO:0019391.
Fanconi anemia complementation group C (FANCC). Also called: Fanconi anemia, group C; FANCONI PANCYTOPENIA, TYPE 3; FACC; FANCC-Related Fanconi Anemia. Identifiers: Orphanet 84, MedGen C3468041, MONDO:0009213, OMIM 227645.
Fanconi anemia complementation group A (FANCA). Also called: Fanconi anemia, group A; FANCA-Related Fanconi Anemia. Identifiers: Orphanet 84, MedGen C3469521, MONDO:0009215, OMIM 227650.
Malignant tumor of breast. Also called: Malignant breast neoplasm; Cancer breast. Identifiers: MedGen C0006142, MONDO:0007254. Disease mechanism: loss of function.

Allele frequency attached by ClinVar (database versions not stated): 1000 Genomes Project 30x 0.00031; 1000 Genomes Project 0.00040; ESP Exome Variant Server 0.00062; TOPMed 0.00074; gnomAD exomes 0.00126.
gnomAD v4.1: 2,000 of 1,613,068 alleles (0.12%); highest among the groups gnomAD compares: Non-Finnish European, 0.12%; 2 homozygotes.

Submissions (17):

Labcorp Genetics (formerly Invitae), Labcorp
Classification: Benign for Fanconi anemia. Last evaluated: 2026-01-26. Review status: criteria provided, single submitter. Criteria: Invitae Variant Classification Sherloc (09022015). Collection method: clinical testing. Allele origin: germline.

Women's Health and Genetics/Laboratory Corporation of America, LabCorp
Classification: Benign. Last evaluated: 2025-10-13. Review status: criteria provided, single submitter. Criteria: LabCorp Variant Classification Summary - May 2015. Collection method: clinical testing. Allele origin: germline.
Comment: Variant summary: FANCC c.632C>G (p.Pro211Arg) results in a non-conservative amino acid change in the encoded protein sequence. Algorithms developed to predict the effect of missense changes on protein structure and function are either unavailable or do not agree on the potential impact of this missense change. The variant allele was found at a frequency of 0.0012 in 1606096 control chromosomes, predominantly at a frequency of 0.0077 within the Finnish subpopulation in the gnomAD database, including 2 homozygotes. The observed variant frequency within Finnish control individuals in the gnomAD database exceeds the estimated maximal expected allele frequency for disease-causing variants in FANCC. c.632C>G has been observed in several individuals affected with breast and/or ovarian cancer and other tumor phenotypes, but was also found in numerous healthy controls (e.g. Thompson_2012, Bhai_2021, Dorling_2021). To our knowledge, no experimental evidence demonstrating an impact on protein function has been reported. The following publications have been ascertained in the context of this evaluation (PMID: 23028338, 34326862, 33471991). ClinVar contains an entry for this variant (Variation ID: 127544). Based on the evidence outlined above, the variant was classified as benign.

Quest Diagnostics Nichols Institute San Juan Capistrano
Classification: Benign. Last evaluated: 2025-06-30. Review status: criteria provided, single submitter. Criteria: Quest Diagnostics criteria. Collection method: clinical testing. Allele origin: unknown.

CeGaT Center for Human Genetics Tuebingen
Classification: Likely benign. Last evaluated: 2025-06-01. Review status: criteria provided, single submitter. Criteria: CeGaT Center For Human Genetics Tuebingen Variant Classification Criteria Version 2. Collection method: clinical testing. Allele origin: germline. Affected: yes. Observed: 3 variant alleles.
Comment: FANCC: BP4

Blueprint Genetics
Classification: Likely benign. Last evaluated: 2024-11-19. Review status: criteria provided, single submitter. Criteria: ACMG Guidelines, 2015. Collection method: clinical testing. Allele origin: germline.

Institute for Clinical Genetics, University Hospital TU Dresden, University Hospital TU Dresden
Classification: Uncertain significance. Last evaluated: 2021-11-03. Review status: criteria provided, single submitter. Criteria: ACMG Guidelines, 2015. Collection method: clinical testing. Allele origin: germline.

Genetic Services Laboratory, University of Chicago
Classification: Likely benign. Last evaluated: 2021-04-26. Review status: criteria provided, single submitter. Criteria: ACMG Guidelines, 2015. Collection method: clinical testing. Allele origin: germline. Affected: no.

Sema4
Classification: Likely benign for Fanconi anemia. Last evaluated: 2021-02-25. Review status: criteria provided, single submitter. Criteria: Sema4 Curation Guidelines. Collection method: curation. Allele origin: germline.

Ambry Genetics
Classification: Likely benign for Hereditary cancer-predisposing syndrome. Last evaluated: 2020-01-07. Review status: criteria provided, single submitter. Criteria: Ambry Variant Classification Scheme 2023. Collection method: clinical testing. Allele origin: germline.

Mendelics
Classification: Likely benign for Fanconi anemia complementation group A. Last evaluated: 2019-05-28. Review status: criteria provided, single submitter. Criteria: Mendelics Assertion Criteria 2017. Collection method: clinical testing. Allele origin: unknown.

Illumina Laboratory Services, Illumina
Classification: Uncertain significance for Fanconi anemia complementation group C. Last evaluated: 2018-01-13. Review status: criteria provided, single submitter. Criteria: ICSL Variant Classification Criteria 13 December 2019. Collection method: clinical testing. Allele origin: germline.

GeneDx
Classification: Likely benign. Last evaluated: 2017-12-18. Review status: criteria provided, single submitter. Criteria: GeneDx Variant Classification (06012015). Collection method: clinical testing. Allele origin: germline. Affected: yes.
Comment: This variant is considered likely benign or benign based on one or more of the following criteria: it is a conservative change, it occurs at a poorly conserved position in the protein, it is predicted to be benign by multiple in silico algorithms, and/or has population frequency not consistent with disease.

PreventionGenetics, part of Exact Sciences
Classification: Likely benign for FANCC-related condition. Last evaluated: 2022-07-21. Review status: no assertion criteria provided. Collection method: clinical testing. Allele origin: germline. Not counted in ClinVar's aggregate classification.
Comment: This variant is classified as likely benign based on ACMG/AMP sequence variant interpretation guidelines (Richards et al. 2015 PMID: 25741868, with internal and published modifications).

Leiden Open Variation Database
Classification: Uncertain significance. Last evaluated: 2020-02-28. Review status: no assertion criteria provided. Collection method: curation. Allele origin: germline. Affected: yes. Not counted in ClinVar's aggregate classification.
Comment: Curator: Arleen D. Auerbach. Submitter to LOVD: Arleen D. Auerbach.

Natera, Inc.
Classification: Likely benign for Fanconi anemia, group C. Last evaluated: 2019-08-02. Review status: no assertion criteria provided. Collection method: clinical testing. Allele origin: germline. Not counted in ClinVar's aggregate classification.

ITMI
No classification provided. Condition: AllHighlyPenetrant. Last evaluated: 2013-09-19. Review status: no classification provided. Collection method: reference population. Allele origin: germline. Not counted in ClinVar's aggregate classification.
Comment: Please see associated publication for description of ethnicities

Department of Pathology and Laboratory Medicine, Sinai Health System
Classification: Likely benign for Malignant tumor of breast. Review status: no assertion criteria provided. Collection method: clinical testing. Allele origin: unknown. Affected: yes. Study: The Canadian Open Genetics Repository (COGR). Not counted in ClinVar's aggregate classification.
Comment: The FANCC p.Pro211Arg variant was identified in 3 of 2744 proband chromosomes (frequency: 0.001) from individuals or families with leukaemia or Alzheimerâ€šÃ„Ã´s Disease and was present in 2 of 1362 control chromosomes (Balmana 2016, Barber 2003, Kim 2016). The variant was also identified in dbSNP (ID: rs140781259) as "With other allele ", ClinVar (classified as benign by Invitae; as likely benign by GeneDx; as uncertain significance by two submitters), MutDB, and in LOVD 3.0. The variant was not identified in Cosmic database. The variant was identified in control databases in 382 of 275066 chromosomes (1 homozygous) at a frequency of 0.001 increasing the likelihood this could be a low frequency benign variant (Genome Aggregation Database Feb 27, 2017). The variant was observed in the following populations: African in 7 of 23782 chromosomes (freq: 0.0003), Other in 8 of 6438 chromosomes (freq: 0.001), Latino in 8 of 34190 chromosomes (freq: 0.0002), European in 150 of 125766 chromosomes (freq: 0.001), Finnish in 208 of 25744 chromosomes (freq: 0.008), and South Asian in 1 of 30286 chromosomes (freq: 0.00003); it was not observed in the Ashkenazi Jewish, and in East Asian populations. The p.Pro211 residue is not conserved in mammals and computational analyses (PolyPhen-2, SIFT, AlignGVGD, BLOSUM, MutationTaster) provide inconsistent predictions regarding the impact to the protein; this information is not very predictive of pathogenicity. The variant occurs outside of the splicing consensus sequence and 1 of 4 in silico or computational prediction software programs (SpliceSiteFinder, MaxEntScan, NNSPLICE, GeneSplicer) predict a greater than 10% difference in splicing; this is not very predictive of pathogenicity. In summary, based on the above information the clinical significance of this variant cannot be determined with certainty at this time although we would lean towards a more benign role for this variant. This variant is classified as likely benign.

Literature cited by the submitters: PubMed 23028338 (cited by 3 submitters); PubMed 33471991 (cited by Women's Health and Genetics/Laboratory Corporation of America, LabCorp and Quest Diagnostics Nichols Institute San Juan Capistrano); PubMed 34326862 (cited by Women's Health and Genetics/Laboratory Corporation of America, LabCorp and Quest Diagnostics Nichols Institute San Juan Capistrano); PubMed 24728327 (cited by 3 submitters); PubMed 32546565 (cited by Quest Diagnostics Nichols Institute San Juan Capistrano and Sema4); PubMed 9616183 (cited by Sema4 and Ambry Genetics); PubMed 09616183 (cited by Leiden Open Variation Database).